The following is an entry in ClinVar:

NM_177438.3(DICER1):c.5527+4T>A

Gene: DICER1 (dicer 1, ribonuclease III; minus strand). Cytogenetic location: 14q32.13.
Variant type: single nucleotide variant.
Coding change: c.5527+4T>A on transcript NM_177438.3 (MANE Select); 4 bases into the intron after coding-DNA position 5527, T replaced by A.
Molecular consequence: intron variant.
Genome position (GRCh38, 1-based): chr14:95,091,199, A>T on the plus strand (T>A on the coding strand, the complement: DICER1 is on the minus strand). VCF-style: chr14-95091199-A-T. GRCh37 (hg19) VCF-style: chr14-95557536-A-T.
Other names: c.5527+4T>A (NM_001291628.2, NM_030621.4, NM_001271282.3); c.5365-90T>A (NM_001195573.1).
Identifiers: ClinVar variation 825805 (VCV000825805.5), dbSNP rs779742174, ClinGen allele CA915946396.
Genomic context (GRCh38, chr14:95,091,199, plus strand): 5'-TAATATCTCTGAAGTTGTTTTTAATTTTGTGGGTTTTTTTCTTTCTAAAGGGAGCCAACA[A>T]TACCTATTAGTGGCCGCATCATGGGATAGTACACCTGCCAGACTGTCTCCAGTGACATCC-3'

ClinVar aggregate classification (germline): Uncertain significance (1 of 4 stars; one submission).

Conditions:
Hereditary cancer-predisposing syndrome. Also called: Hereditary Cancer Syndrome; Tumor predisposition; Neoplastic Syndromes, Hereditary; Hereditary neoplastic syndrome. Identifiers: Orphanet 140162, MedGen C0027672, MeSH D009386, MONDO:0015356.

Submission:

Ambry Genetics
Classification: Uncertain significance for Hereditary cancer-predisposing syndrome. Last evaluated: 2026-02-06. Review status: criteria provided, single submitter. Criteria: Ambry Variant Classification Scheme 2023. Collection method: clinical testing. Allele origin: germline.
Comment: The c.5527+4T>A intronic variant results from a T to A substitution 4 nucleotides after coding exon 24 in the DICER1 gene. This nucleotide position is poorly conserved in available vertebrate species. In silico splice site analysis predicts that this alteration will not have any significant effect on splicing. Based on the available evidence, the clinical significance of this variant remains unclear.